The following is an entry in ClinVar:

NM_006035.4(CDC42BPB):c.2301G>A (p.Ala767=)

Gene: CDC42BPB (CDC42 binding protein kinase beta; minus strand). Cytogenetic location: 14q32.32.
Variant type: single nucleotide variant.
Coding change: c.2301G>A on transcript NM_006035.4 (MANE Select); coding-DNA position 2301, G replaced by A.
Protein change: p.Ala767=; no amino-acid change (alanine 767 retained).
Molecular consequence: synonymous variant.
Genome position (GRCh38, 1-based): chr14:102,968,298, C>T on the plus strand (G>A on the coding strand, the complement: CDC42BPB is on the minus strand). VCF-style: chr14-102968298-C-T. GRCh37 (hg19) VCF-style: chr14-103434635-C-T.
Other names: c.2301G>A, p.Ala767= (NM_001411054.1).
Identifiers: ClinVar variation 3777954 (VCV003777954.8).

ClinVar aggregate classification (germline): Likely benign. Review status: criteria provided, multiple submitters, no conflicts (2 of 4 stars). 2 submissions from 2 submitters: Likely benign (2). Last evaluated 2025-03-01.

gnomAD v4.1: 101 of 1,613,904 alleles (0.0063%); highest among the groups gnomAD compares: Non-Finnish European, 0.0082%; 1 homozygote.

Submissions (2):

CeGaT Center for Human Genetics Tuebingen
Classification: Likely benign. Last evaluated: 2025-03-01. Review status: criteria provided, single submitter. Criteria: CeGaT Center For Human Genetics Tuebingen Variant Classification Criteria Version 2. Collection method: clinical testing. Allele origin: germline. Affected: yes. Observed: 1 variant allele.
Comment: CDC42BPB: BP4, BP7

Blueprint Genetics
Classification: Likely benign. Last evaluated: 2024-08-12. Review status: criteria provided, single submitter. Criteria: ACMG Guidelines, 2015. Collection method: clinical testing. Allele origin: germline.